The following is an entry in ClinVar:

ClinVar aggregate classification (germline): Pathogenic/Likely pathogenic. Review status: criteria provided, multiple submitters, no conflicts (2 of 4 stars). 2 submissions from 2 submitters: Pathogenic (1); Likely pathogenic (1). Last evaluated 2025-04-24.

Conditions:
Metaphyseal chondrodysplasia, McKusick type (CHH). Also called: Cartilage-hair hypoplasia; Cartilage-Hair Hypoplasia (CHH). Identifiers: Orphanet 175, MedGen C0220748, MONDO:0009595, OMIM 250250.
Anauxetic dysplasia. Identifiers: Orphanet 93347, MedGen C1846796, MONDO:0011773.

Submissions (2):

Natera, Inc.
Classification: Likely pathogenic for Cartilage-hair hypoplasia. Last evaluated: 2025-04-24. Review status: criteria provided, single submitter. Criteria: Natera Variant Classification Schema (03/2026). Collection method: clinical testing. Allele origin: germline.
Comment: The n.-14_-13insTACTCTGTGTACTCTGTG variant in RMRP is an insertion affecting the RMRP promoter region between the TATA box and the transcription initiation site. Other duplications and insertions just upstream of the transcription initiation site have been reported in individuals affected with cartilage-hair hypoplasia (PMID: 11207361, 17937437). This variant is rare in the general population with a frequency below the threshold expected for the associated phenotype(s). Given the available evidence, this variant is classified as Likely pathogenic.

Labcorp Genetics (formerly Invitae), Labcorp
Classification: Pathogenic for Anauxetic dysplasia. Last evaluated: 2023-04-25. Review status: criteria provided, single submitter. Criteria: Invitae Variant Classification Sherloc (09022015). Collection method: clinical testing. Allele origin: germline.
Comment: This variant occurs in the RMRP gene, which encodes an RNA molecule that does not result in a protein product. This variant is not present in population databases (gnomAD no frequency). While this particular variant has not been reported in the literature, it is located in the promoter region between the TATA box and the transcription initiation site, and other insertions and duplications immediately upstream of the coding sequence have been reported in individuals affected with cartilage-hair hypoplasia-anauxetic dysplasia (CHH-AD) spectrum disorders (PMID: 16244706, 11207361, 12107819). While functional studies for this variant have not been reported, experimental analyses using patient derived cells, as well as in vitro transfection studies, have shown that promoter insertions result in silencing of RMRP transcription and reduced expression of the gene product (PMID: 11207361, 16254002). For these reasons, this variant has been classified as Pathogenic.

Literature cited by the submitters: PubMed 11207361 (cited by Natera, Inc. and Labcorp Genetics (formerly Invitae), Labcorp); PubMed 17937437 (cited by Natera, Inc.); PubMed 16244706 (cited by Labcorp Genetics (formerly Invitae), Labcorp); PubMed 12107819 (cited by Labcorp Genetics (formerly Invitae), Labcorp); PubMed 16254002 (cited by Labcorp Genetics (formerly Invitae), Labcorp).

NR_003051.3(RMRP):n.-14_-13insTACTCTGTGTACTCTGTG

Gene: RMRP (RNA component of mitochondrial RNA processing endoribonuclease; minus strand). Cytogenetic location: 9p13.3.
Variant type: Microsatellite.
Genome position: GRCh38 VCF-style: chr9-35658031-T-TCACAGAGTACACAGAGTA. GRCh37 (hg19) VCF-style: chr9-35658028-T-TCACAGAGTACACAGAGTA.
Identifiers: ClinVar variation 2815227 (VCV002815227.3), dbSNP rs1563908167, ClinGen allele CA2689879544.